The following is an entry in ClinVar:

NM_001330260.2(SCN8A):c.4078A>T (p.Thr1360Ser)

Gene: SCN8A (sodium voltage-gated channel alpha subunit 8; plus strand). Cytogenetic location: 12q13.13.
Variant type: single nucleotide variant.
Coding change: c.4078A>T on transcript NM_001330260.2 (MANE Select); coding-DNA position 4078, A replaced by T.
Protein change: p.Thr1360Ser; replaces threonine 1360 with serine.
Molecular consequence: missense variant.
Genome position (GRCh38, 1-based): chr12:51,786,677, A>T. VCF-style: chr12-51786677-A-T. GRCh37 (hg19) VCF-style: chr12-52180461-A-T.
Other names: c.3955A>T, p.Thr1319Ser (NM_001177984.3, NM_001369788.1); c.4078A>T, p.Thr1360Ser (NM_014191.4); short protein forms T1360S, T1319S.
Identifiers: ClinVar variation 2065356 (VCV002065356.6), dbSNP rs796053215, ClinGen allele CA318274.

ClinVar aggregate classification (germline): Uncertain significance. Review status: criteria provided, multiple submitters, no conflicts (2 of 4 stars). 2 submissions from 2 submitters: Uncertain significance (2). Last evaluated 2024-02-23.

Conditions:
Early-infantile DEE. Also called: Early infantile epileptic encephalopathy; Ohtahara syndrome; Early infantile epileptic encephalopathy with suppression bursts. Identifiers: Orphanet 1934, MedGen C0393706, MONDO:0800491.
Developmental and epileptic encephalopathy, 13 (DEE13). Also called: Early infantile epileptic encephalopathy 13; Developmental and Epileptic Encephalopathy (SCN8A-DEE); SCN8A-Related Epilepsy. Identifiers: Orphanet 442835, MedGen C3281191, MONDO:0013801, OMIM 614558.

Allele frequency attached by ClinVar (database versions not stated): TOPMed below 0.00001; gnomAD exomes 0.00001.
gnomAD v4.1: 7 of 1,614,022 alleles (0.00043%); highest among the groups gnomAD compares: Non-Finnish European, 0.00059%; no homozygotes.

Submissions (2):

Labcorp Genetics (formerly Invitae), Labcorp
Classification: Uncertain significance for Early-infantile DEE. Last evaluated: 2024-02-23. Review status: criteria provided, single submitter. Criteria: Invitae Variant Classification Sherloc (09022015). Collection method: clinical testing. Allele origin: germline.
Comment: This sequence change replaces threonine, which is neutral and polar, with serine, which is neutral and polar, at codon 1360 of the SCN8A protein (p.Thr1360Ser). This variant is not present in population databases (gnomAD no frequency). This variant has not been reported in the literature in individuals affected with SCN8A-related conditions. ClinVar contains an entry for this variant (Variation ID: 2065356). Advanced modeling of protein sequence and biophysical properties (such as structural, functional, and spatial information, amino acid conservation, physicochemical variation, residue mobility, and thermodynamic stability) performed at Invitae indicates that this missense variant is not expected to disrupt SCN8A protein function with a negative predictive value of 95%. In summary, the available evidence is currently insufficient to determine the role of this variant in disease. Therefore, it has been classified as a Variant of Uncertain Significance.

Institute of Human Genetics, University of Leipzig Medical Center
Classification: Uncertain significance for Developmental and epileptic encephalopathy, 13. Last evaluated: 2023-08-16. Review status: criteria provided, single submitter. Criteria: ACMG Guidelines, 2015. Collection method: clinical testing. Allele origin: unknown. Inheritance: Autosomal dominant inheritance. Affected: yes.
Comment: Criteria applied: PM1,PM2_SUP,PP3